The following is an entry in ClinVar:

NM_003803.4(MYOM1):c.461C>T (p.Thr154Met)

Gene: MYOM1 (myomesin 1; minus strand). Cytogenetic location: 18p11.31.
Variant type: single nucleotide variant.
Coding change: c.461C>T on transcript NM_003803.4 (MANE Select); coding-DNA position 461, C replaced by T.
Protein change: p.Thr154Met; replaces threonine 154 with methionine.
Molecular consequence: missense variant.
Genome position (GRCh38, 1-based): chr18:3,189,058, G>A on the plus strand (C>T on the coding strand, the complement: MYOM1 is on the minus strand). VCF-style: chr18-3189058-G-A. GRCh37 (hg19) VCF-style: chr18-3189056-G-A.
Other names: c.461C>T, p.Thr154Met (NM_019856.2); short protein forms T154M.
Identifiers: ClinVar variation 226824 (VCV000226824.21), dbSNP rs140845661, ClinGen allele CA8875237.
Genomic context (GRCh38, chr18:3,189,058, plus strand): 5'-CTAGCAAGAAGATTCCTCTGGGCTATATAAGCAGCAGCTTCTTTAATTCTTTCTTCTTCC[G>A]TATCAGTAATTCCACTGACATGCTTTTGACTAAAACACAACAATGGCAAAATGTAGATGT-3'
Protein context (NP_003794.3, residues 144-164): RQKHVSGITD[Thr154Met]EEERIKEAAA

ClinVar aggregate classification (germline): Conflicting classifications of pathogenicity. Review status: criteria provided, conflicting classifications (1 of 4 stars). 5 submissions from 5 submitters: Uncertain significance (2); Benign (2). 1 of the submissions does not count toward it. Last evaluated 2026-01-27.

Conditions:
MYOM1-related disorder.
Hypertrophic cardiomyopathy. Also called: HYPERTROPHIC MYOCARDIOPATHY. Identifiers: Orphanet 217569, MedGen C0007194, MeSH D002312, MONDO:0005045, HP:0001639.

Allele frequency attached by ClinVar (database versions not stated): gnomAD exomes 0.00047; ExAC 0.00059; gnomAD 0.00185 and 0.00197; TOPMed 0.00202; ESP Exome Variant Server 0.00209; 1000 Genomes Project 30x 0.00234; 1000 Genomes Project 0.00260.
gnomAD v4.1: 579 of 1,612,840 alleles (0.036%); highest among the groups gnomAD compares: African/African-American, 0.68%; 1 homozygote.

Submissions (5):

Labcorp Genetics (formerly Invitae), Labcorp
Classification: Benign for Hypertrophic cardiomyopathy. Last evaluated: 2026-01-27. Review status: criteria provided, single submitter. Criteria: Invitae Variant Classification Sherloc (09022015). Collection method: clinical testing. Allele origin: germline.

Ambry Genetics
Classification: Uncertain significance. Last evaluated: 2024-09-11. Review status: criteria provided, single submitter. Criteria: Ambry Variant Classification Scheme 2023. Collection method: clinical testing. Allele origin: germline.
Comment: The p.T154M variant (also known as c.461C>T), located in coding exon 3 of the MYOM1 gene, results from a C to T substitution at nucleotide position 461. The threonine at codon 154 is replaced by methionine, an amino acid with similar properties. This amino acid position is conserved. In addition, this alteration is predicted to be tolerated by in silico analysis. Since supporting evidence is limited at this time, the clinical significance of this alteration remains unclear.

Center for Genomics, Ann and Robert H. Lurie Children's Hospital of Chicago
Classification: Uncertain significance. Last evaluated: 2021-03-30. Review status: criteria provided, single submitter. Criteria: ACMG Guidelines, 2015. Collection method: clinical testing. Allele origin: germline.
Comment: MYOM1 NM_003803.3 exon 4 p.Thr145Met (c.461C>T): This variant has not been reported in the literature and is present in 0.6% (152/23992) of African alleles in the Genome Aggregation Database. This variant is present in ClinVar (Variation ID:226824). Evolutionary conservation and computational predictive tools suggest that this variant may impact the protein. In summary, data on this variant is insufficient for disease classification. Therefore, the clinical significance of this variant is uncertain.

Laboratory for Molecular Medicine, Mass General Brigham Personalized Medicine
Classification: Benign. Last evaluated: 2014-11-24. Review status: criteria provided, single submitter. Criteria: LMM Criteria. Collection method: clinical testing. Allele origin: germline. Observed: 2 variant alleles.
Comment: Thr154Met in exon 4 of MYOM1: This variant is not expected to have clinical sign ificance because it has been identified in 5.2% (10/194) of Luhya (Kenyan) chrom osomes from a broad population by the 1000 Genomes Project (.; dbSNP rs140845661).

PreventionGenetics, part of Exact Sciences
Classification: Benign for MYOM1-related condition. Last evaluated: 2019-11-20. Review status: no assertion criteria provided. Collection method: clinical testing. Allele origin: germline. Not counted in ClinVar's aggregate classification.
Comment: This variant is classified as benign based on ACMG/AMP sequence variant interpretation guidelines (Richards et al. 2015 PMID: 25741868, with internal and published modifications).